The following is an entry in ClinVar:

ClinVar aggregate classification (germline): Uncertain significance. Review status: criteria provided, multiple submitters, no conflicts (2 of 4 stars). 4 submissions from 4 submitters: Uncertain significance (4). Last evaluated 2025-10-13.

Conditions:
Walker-Warburg congenital muscular dystrophy. Also called: Muscular dystrophy-dystroglycanopathy, type A; Walker-Warburg syndrome. Identifiers: Orphanet 899, MedGen C0265221, MONDO:0000171.
Muscular dystrophy-dystroglycanopathy (congenital with impaired intellectual development), type B, 1. Also called: Muscular dystrophy-dystroglycanopathy (congenital with intellectual disability), type B1; MUSCULAR DYSTROPHY, CONGENITAL, POMT1-RELATED. Identifiers: MedGen C5436962, MONDO:0013159, OMIM 613155.
Autosomal recessive limb-girdle muscular dystrophy type 2K. Also called: MUSCULAR DYSTROPHY-DYSTROGLYCANOPATHY (LIMB-GIRDLE), TYPE C, 1; MUSCULAR DYSTROPHY, LIMB-GIRDLE, TYPE 2K. Identifiers: Orphanet 86812, MedGen C1836373, MONDO:0012248, OMIM 609308.

Allele frequency attached by ClinVar (database versions not stated): gnomAD 0.00004; ExAC 0.00005; TOPMed 0.00002; gnomAD exomes 0.00005 and 0.00007; ESP Exome Variant Server 0.00008.
gnomAD v4.1: 73 of 1,613,896 alleles (0.0045%); highest among the groups gnomAD compares: Non-Finnish European, 0.0058%; no homozygotes.

Submissions (4):

Labcorp Genetics (formerly Invitae), Labcorp
Classification: Uncertain significance for Muscular dystrophy-dystroglycanopathy (congenital with impaired intellectual development), type B, 1; Walker-Warburg congenital muscular dystrophy; Autosomal recessive limb-girdle muscular dystrophy type 2K. Last evaluated: 2025-10-13. Review status: criteria provided, single submitter. Criteria: Invitae Variant Classification Sherloc (09022015). Collection method: clinical testing. Allele origin: germline.
Comment: This sequence change replaces isoleucine, which is neutral and non-polar, with phenylalanine, which is neutral and non-polar, at codon 142 of the POMT1 protein (p.Ile142Phe). This variant is present in population databases (rs141833028, gnomAD 0.02%). This variant has not been reported in the literature in individuals affected with POMT1-related conditions. ClinVar contains an entry for this variant (Variation ID: 284889). Invitae Evidence Modeling of protein sequence and biophysical properties (such as structural, functional, and spatial information, amino acid conservation, physicochemical variation, residue mobility, and thermodynamic stability) indicates that this missense variant is not expected to disrupt POMT1 protein function with a negative predictive value of 95%. In summary, the available evidence is currently insufficient to determine the role of this variant in disease. Therefore, it has been classified as a Variant of Uncertain Significance.

CeGaT Center for Human Genetics Tuebingen
Classification: Uncertain significance. Last evaluated: 2025-08-01. Review status: criteria provided, single submitter. Criteria: CeGaT Center For Human Genetics Tuebingen Variant Classification Criteria Version 2. Collection method: clinical testing. Allele origin: germline. Affected: yes. Observed: 1 variant allele.
Comment: POMT1: PM2, BP4

Revvity Omics, Revvity
Classification: Uncertain significance. Last evaluated: 2020-04-03. Review status: criteria provided, single submitter. Criteria: ACMG Guidelines, 2015. Collection method: clinical testing. Allele origin: germline.

Eurofins Ntd Llc (ga)
Classification: Uncertain significance. Last evaluated: 2015-12-04. Review status: criteria provided, single submitter. Criteria: EGL Classification Definitions 2015. Collection method: clinical testing. Allele origin: germline. Observed: 1 variant allele, 1 heterozygote.

NM_001077365.2(POMT1):c.424A>T (p.Ile142Phe)

Gene: POMT1 (protein O-mannosyltransferase 1; plus strand). Cytogenetic location: 9q34.13.
Variant type: single nucleotide variant.
Coding change: c.424A>T on transcript NM_001077365.2 (MANE Select); coding-DNA position 424, A replaced by T.
Protein change: p.Ile142Phe; replaces isoleucine 142 with phenylalanine.
Molecular consequence: missense variant. On other transcripts: non-coding transcript variant (9), intron variant (2).
Genome position (GRCh38, 1-based): chr9:131,507,511, A>T. VCF-style: chr9-131507511-A-T. GRCh37 (hg19) VCF-style: chr9-134382898-A-T.
Other names: c.262A>T, p.Ile88Phe (NM_001077366.2, NM_001353194.2, NM_001353197.2 and 3 more transcripts); c.424A>T, p.Ile142Phe (NM_001136113.2, NM_001353193.2, NM_001374690.1 and 1 more transcripts); c.73A>T, p.Ile25Phe (NM_001136114.2, NM_001353195.2, NM_001353199.2 and 2 more transcripts); c.334A>T, p.Ile112Phe (NM_001353196.2); c.-29-1400A>T (NM_001374695.1); c.-30+1058A>T (NM_001353200.2); short protein forms I142F, I112F, I25F, I88F.
Identifiers: ClinVar variation 284889 (VCV000284889.20), dbSNP rs141833028, ClinGen allele CA5293257.
Genomic context (GRCh38, chr9:131,507,511, plus strand): 5'-ATAGTGTTGGAGCTCCACTTTTCTCATTGTGCCGCCATGGGAGCTGCTCTGTTGATGCTT[A>T]TCGGTAAGACCTGCGCCCCTGCCTGCTCTTGCTGTCATGCAGGGAAGAACTGACCCTTTG-3'
Protein context (NP_001070833.1, residues 132-152): AAMGAALLML[Ile142Phe]ENALITQSRL